The following is an entry in ClinVar:

NM_014225.6(PPP2R1A):c.114C>T (p.Ile38=)

Gene: PPP2R1A (protein phosphatase 2 scaffold subunit Aalpha; plus strand). Cytogenetic location: 19q13.41.
Variant type: single nucleotide variant.
Coding change: c.114C>T on transcript NM_014225.6 (MANE Select); coding-DNA position 114, C replaced by T.
Protein change: p.Ile38=; no amino-acid change (isoleucine 38 retained).
Molecular consequence: synonymous variant. On other transcripts: 5 prime UTR variant (1), non-coding transcript variant (1).
Genome position (GRCh38, 1-based): chr19:52,201,979, C>T. VCF-style: chr19-52201979-C-T. GRCh37 (hg19) VCF-style: chr19-52705232-C-T.
Other names: c.-424C>T (NM_001363656.2).
Identifiers: ClinVar variation 1920063 (VCV001920063.29), dbSNP rs775159886, ClinGen allele CA9621260.
Genomic context (GRCh38, chr19:52,201,979, plus strand): 5'-CCTCCTCTTCTTGTTCTCTCATTAGCTTCGCCTCAACAGCATCAAGAAGCTGTCCACCAT[C>T]GCCTTGGCCCTTGGGGTTGAAAGGACCCGAAGTGAGCTTCTGCCTTTCCTTACAGGTAAC-3'
Protein context (NP_055040.2, residues 28-48): RLNSIKKLST[Ile38=]ALALGVERTR

ClinVar aggregate classification (germline): Likely benign. Review status: criteria provided, multiple submitters, no conflicts (2 of 4 stars). 2 submissions from 2 submitters: Likely benign (2). Last evaluated 2025-10-28.

Allele frequency attached by ClinVar (database versions not stated): gnomAD 0.00001; TOPMed 0.00001; ExAC 0.00002.
gnomAD v4.1: 24 of 1,614,052 alleles (0.0015%); highest among the groups gnomAD compares: Middle Eastern, 0.016%; 1 homozygote.

Submissions (2):

Labcorp Genetics (formerly Invitae), Labcorp
Classification: Likely benign. Last evaluated: 2025-10-28. Review status: criteria provided, single submitter. Criteria: Invitae Variant Classification Sherloc (09022015). Collection method: clinical testing. Allele origin: germline.

CeGaT Center for Human Genetics Tuebingen
Classification: Likely benign. Last evaluated: 2023-05-01. Review status: criteria provided, single submitter. Criteria: CeGaT Center For Human Genetics Tuebingen Variant Classification Criteria Version 2. Collection method: clinical testing. Allele origin: germline. Affected: yes. Observed: 1 variant allele.
Comment: PPP2R1A: BP4, BP7